The following is an entry in ClinVar:

ClinVar aggregate classification (germline): Conflicting classifications of pathogenicity. Review status: criteria provided, conflicting classifications (1 of 4 stars). 6 submissions from 6 submitters: Uncertain significance (3); Likely benign (1). 2 of the submissions do not count toward it. Last evaluated 2024-11-13.

Conditions:
GNE myopathy (NM). Also called: INCLUSION BODY MYOPATHY, HEREDITARY, AUTOSOMAL RECESSIVE; INCLUSION BODY MYOPATHY 2, AUTOSOMAL RECESSIVE; Inclusion body myopathy autosomal recessive; Inclusion body myopathy quadriceps sparing; IBM 2; MYOPATHY, DISTAL, WITH OR WITHOUT RIMMED VACUOLES. Identifiers: Orphanet 602, MedGen C1853926, MONDO:0011603, OMIM 605820.
Sialuria. Also called: Sialic Acid Storage Disease; SIALURIA, FRENCH TYPE. Identifiers: Orphanet 3166, MedGen C0342853, MONDO:0010028, OMIM 269921.

Submissions (6):

Blueprint Genetics
Classification: Likely benign. Last evaluated: 2024-11-13. Review status: criteria provided, single submitter. Criteria: ACMG Guidelines, 2015. Collection method: clinical testing. Allele origin: germline.

Labcorp Genetics (formerly Invitae), Labcorp
Classification: Uncertain significance for Sialuria; GNE myopathy. Last evaluated: 2024-06-17. Review status: criteria provided, single submitter. Criteria: Invitae Variant Classification Sherloc (09022015). Collection method: clinical testing. Allele origin: germline.
Comment: This sequence change falls in intron 4 of the GNE gene. It does not directly change the encoded amino acid sequence of the GNE protein. It affects a nucleotide within the consensus splice site. This variant is present in population databases (rs756817842, gnomAD 0.2%). This variant has not been reported in the literature in individuals affected with GNE-related conditions. ClinVar contains an entry for this variant (Variation ID: 282276). Variants that disrupt the consensus splice site are a relatively common cause of aberrant splicing (PMID: 17576681, 9536098). Algorithms developed to predict the effect of sequence changes on RNA splicing suggest that this variant is not likely to affect RNA splicing. In summary, the available evidence is currently insufficient to determine the role of this variant in disease. Therefore, it has been classified as a Variant of Uncertain Significance.

Women's Health and Genetics/Laboratory Corporation of America, LabCorp
Classification: Uncertain significance. Last evaluated: 2023-07-03. Review status: criteria provided, single submitter. Criteria: LabCorp Variant Classification Summary - May 2015. Collection method: clinical testing. Allele origin: germline.

Eurofins Ntd Llc (ga)
Classification: Uncertain significance. Last evaluated: 2016-06-08. Review status: criteria provided, single submitter. Criteria: EGL Classification Definitions. Collection method: clinical testing. Allele origin: germline.

Natera, Inc.
Classification: Uncertain significance for Nonaka myopathy. Last evaluated: 2020-01-17. Review status: no assertion criteria provided. Collection method: clinical testing. Allele origin: germline. Not counted in ClinVar's aggregate classification.

Counsyl
Classification: Uncertain significance for GNE myopathy. Last evaluated: 2017-01-30. Review status: no assertion criteria provided. Collection method: clinical testing. Allele origin: unknown. Not counted in ClinVar's aggregate classification.

Literature cited by the submitters: PubMed 17576681 (cited by Labcorp Genetics (formerly Invitae), Labcorp); PubMed 9536098 (cited by Labcorp Genetics (formerly Invitae), Labcorp).

NM_005476.7(GNE):c.769+3dup

Gene: GNE (glucosamine (UDP-N-acetyl)-2-epimerase/N-acetylmannosamine kinase; minus strand). Cytogenetic location: 9p13.3.
Variant type: Duplication.
Coding change: c.769+3dup on transcript NM_005476.7 (MANE Select); 3 bases into the intron after coding-DNA position 769, one base duplicated (A; older notation c.769+3dupA).
Molecular consequence: intron variant.
Genome position (GRCh38, 1-based): chr9:36,236,828, T duplicated on the plus strand (A on the coding strand, the reverse complement: GNE is on the minus strand); the first of 2 consecutive T bases (chr9:36,236,828-36,236,829); duplicating either gives the same sequence. VCF-style (leftmost placement, unchanged base first): chr9-36236827-A-AT. GRCh37 (hg19) VCF-style: chr9-36236824-A-AT.
Other names: c.592+3dup (NM_001190388.2, NM_001374798.1); c.862+3dup (NM_001128227.3); c.440-2697dup (NM_001190384.3); c.617-2697dup (NM_001374797.1); c.769+3dup (NM_001190383.3); c.862+4dupA (NM_001128227.2); c.862+4_862+5insA (NM_001128227.2); c.862+4dup (NM_001128227.3).
Identifiers: ClinVar variation 282276 (VCV000282276.15), dbSNP rs756817842, ClinGen allele CA5056667.
Genomic context (GRCh38, chr9:36,236,827, plus strand): 5'-AGAAGTAATAGAAACATAAAATTGGGAAAAGTAGGTGGCATAATTTCATTTTCAAGTTCA[A>AT]TTACCTGCGTCAATATTTGGAAACAGGACTAGGGTCCGCTTGTTAAATGAGATAAGTGCA-3'